The following is an entry in ClinVar:

NM_018176.4(LGI2):c.729C>T (p.Tyr243=)

Genes: CCDC149-AS1 (CCDC149 and LGI2 antisense RNA 1; plus strand), LGI2 (leucine rich repeat LGI family member 2; minus strand). Cytogenetic location: 4p15.2.
Variant type: single nucleotide variant.
Coding change: c.729C>T on transcript NM_018176.4 (MANE Select); coding-DNA position 729, C replaced by T.
Protein change: p.Tyr243=; no amino-acid change (tyrosine 243 retained).
Molecular consequence: synonymous variant.
Genome position (GRCh38, 1-based): chr4:25,012,426, G>A on the plus strand (C>T on the coding strand, the complement: LGI2 is on the minus strand). VCF-style: chr4-25012426-G-A. GRCh37 (hg19) VCF-style: chr4-25014048-G-A.
Identifiers: ClinVar variation 2654697 (VCV002654697.24), dbSNP rs34079294, ClinGen allele CA2876895.

ClinVar aggregate classification (germline): Likely benign (1 of 4 stars; one submission).

Allele frequency attached by ClinVar (database versions not stated): 1000 Genomes Project 30x 0.00187; 1000 Genomes Project 0.00240; TOPMed 0.00424; ExAC 0.00432; gnomAD 0.00482; ESP Exome Variant Server 0.00500; gnomAD exomes 0.00588.
gnomAD v4.1: 9,344 of 1,614,244 alleles (0.58%); highest among the groups gnomAD compares: Non-Finnish European, 0.67%; 42 homozygotes.

Submission:

CeGaT Center for Human Genetics Tuebingen
Classification: Likely benign. Last evaluated: 2022-06-01. Review status: criteria provided, single submitter. Criteria: CeGaT Center For Human Genetics Tuebingen Variant Classification Criteria Version 2. Collection method: clinical testing. Allele origin: germline. Affected: yes. Observed: 1 variant allele.
Comment: LGI2: BP4, BP7